The following is an entry in ClinVar:

ClinVar aggregate classification (germline): Uncertain significance. Review status: criteria provided, multiple submitters, no conflicts (2 of 4 stars). 2 submissions from 2 submitters: Uncertain significance (2). Last evaluated 2023-03-30.

Allele frequency attached by ClinVar (database versions not stated): TOPMed below 0.00001; gnomAD 0.00001 and 0.00002; gnomAD exomes 0.00002 and 0.00005; ExAC 0.00005.
gnomAD v4.1: 24 of 1,210,534 alleles (0.002%); highest among the groups gnomAD compares: South Asian, 0.03%; no homozygotes.

Submissions (2):

Clinical Genetics Laboratory, Skane University Hospital Lund
Classification: Uncertain significance. Last evaluated: 2023-03-30. Review status: criteria provided, single submitter. Criteria: ACMG Guidelines, 2015. Collection method: clinical testing. Allele origin: germline. Affected: yes.

GeneDx
Classification: Uncertain significance. Last evaluated: 2017-01-17. Review status: criteria provided, single submitter. Criteria: GeneDx Variant Classification (06012015). Collection method: clinical testing. Allele origin: germline. Affected: yes.
Comment: A variant of uncertain significance has been identified in the DCX gene. The P298S variant has not been published as a pathogenic variant, nor has it been reported as a benign variant to our knowledge. It is observed in 4/10124 (0.04%) alleles from individuals of South Asian background, including 3 hemizygous individuals (Lek et al., 2016; 1000 Genomes Consortium et al., 2015; Exome Variant Server). The P298S variant is a non-conservative amino acid substitution, which is likely to impact secondary protein structure as these residues differ in polarity, charge, size and/or other properties. This substitution occurs at a position that is conserved across species, and in silico analysis predicts the P298S variant is probably damaging to the protein structure/function. Based on the currently available information, it is unclear whether this variant is a pathogenic variant or a rare benign variant.

NM_001195553.2(DCX):c.892C>T (p.Pro298Ser)

Gene: DCX (doublecortin; minus strand). Cytogenetic location: Xq23.
Variant type: single nucleotide variant.
Coding change: c.892C>T on transcript NM_001195553.2 (MANE Select); coding-DNA position 892, C replaced by T.
Protein change: p.Pro298Ser; replaces proline 298 with serine.
Molecular consequence: missense variant.
Genome position (GRCh38, 1-based): chrX:111,330,958, G>A on the plus strand (C>T on the coding strand, the complement: DCX is on the minus strand). VCF-style: chrX-111330958-G-A. GRCh37 (hg19) VCF-style: chrX-110574186-G-A.
Other names: c.1135C>T, p.Pro379Ser (NM_000555.3); c.892C>T, p.Pro298Ser (NM_001369370.1, NM_001369371.1, NM_001369372.1 and 5 more transcripts); short protein forms P298S, P379S.
Identifiers: ClinVar variation 423012 (VCV000423012.3), dbSNP rs780994284, ClinGen allele CA10493271.
Genomic context (GRCh38, chrX:111,330,958, plus strand): 5'-ACTCACCGTCTTGGTCGTTACCTGAGTCAGCTGGAGACTTGCTTCGGCGCATAGGACCAG[G>A]GCTCTTGGCTGAAGTCTTCTGAGGTGTTGGGGATGCCTTTGGGCCAGCTGTGGCTGATGG-3'
Protein context (NP_001182482.1, residues 288-308): PTPQKTSAKS[Pro298Ser]GPMRRSKSPA